The following is an entry in ClinVar:

ClinVar aggregate classification (germline): Uncertain significance (1 of 4 stars; one submission).

Allele frequency attached by ClinVar (database versions not stated): ExAC 0.00004; gnomAD 0.00004; gnomAD exomes 0.00005; TOPMed 0.00006.
gnomAD v4.1: 58 of 1,614,018 alleles (0.0036%); highest among the groups gnomAD compares: East Asian, 0.0045%; no homozygotes.

Submissions (2):

Labcorp Genetics (formerly Invitae), Labcorp
Classification: Uncertain significance. Last evaluated: 2022-06-20. Review status: criteria provided, single submitter. Criteria: Invitae Variant Classification Sherloc (09022015). Collection method: clinical testing. Allele origin: germline.
Comment: This sequence change affects codon 515 of the FKBP10 mRNA. It is a 'silent' change, meaning that it does not change the encoded amino acid sequence of the FKBP10 protein. This variant is present in population databases (rs541344214, gnomAD 0.009%). This variant has not been reported in the literature in individuals affected with FKBP10-related conditions. Algorithms developed to predict the effect of sequence changes on RNA splicing suggest that this variant may create or strengthen a splice site. In summary, the available evidence is currently insufficient to determine the role of this variant in disease. Therefore, it has been classified as a Variant of Uncertain Significance.

Dr. Peter K. Rogan Lab, Western University
No classification provided (evidence only). Condition: Gastric cancer. Review status: no classification provided. Collection method: in vitro. Allele origin: not applicable. Functional consequence: retained intron. Not counted in ClinVar's aggregate classification.

NM_021939.4(FKBP10):c.1545C>T (p.Gly515=)

Gene: FKBP10 (FKBP prolyl isomerase 10; plus strand). Cytogenetic location: 17q21.2.
Variant type: single nucleotide variant.
Coding change: c.1545C>T on transcript NM_021939.4 (MANE Select); coding-DNA position 1545, C replaced by T.
Protein change: p.Gly515=; no amino-acid change (glycine 515 retained).
Molecular consequence: synonymous variant.
Genome position (GRCh38, 1-based): chr17:41,821,799, C>T. VCF-style: chr17-41821799-C-T. GRCh37 (hg19) VCF-style: chr17-39978051-C-T.
Identifiers: ClinVar variation 1449365 (VCV001449365.4), dbSNP rs541344214, ClinGen allele CA8566671.